The following is an entry in ClinVar:

ClinVar aggregate classification (germline): Uncertain significance. Review status: criteria provided, multiple submitters, no conflicts (2 of 4 stars). 2 submissions from 2 submitters: Uncertain significance (2). Last evaluated 2026-01-21.

Conditions:
Hereditary cancer-predisposing syndrome. Also called: Tumor predisposition; Hereditary neoplastic syndrome; Neoplastic Syndromes, Hereditary; Hereditary Cancer Syndrome. Identifiers: Orphanet 140162, MedGen C0027672, MeSH D009386, MONDO:0015356.

Allele frequency attached by ClinVar (database versions not stated): gnomAD exomes 0.00002.

Submissions (2):

Labcorp Genetics (formerly Invitae), Labcorp
Classification: Uncertain significance. Last evaluated: 2026-01-21. Review status: criteria provided, single submitter. Criteria: Invitae Variant Classification Sherloc (09022015). Collection method: clinical testing. Allele origin: germline.
Comment: This sequence change replaces methionine, which is neutral and non-polar, with isoleucine, which is neutral and non-polar, at codon 1523 of the POLE protein (p.Met1523Ile). This variant is not present in population databases (gnomAD no frequency). This variant has not been reported in the literature in individuals affected with POLE-related conditions. ClinVar contains an entry for this variant (Variation ID: 858632). Invitae Evidence Modeling of protein sequence and biophysical properties (such as structural, functional, and spatial information, amino acid conservation, physicochemical variation, residue mobility, and thermodynamic stability) indicates that this missense variant is not expected to disrupt POLE protein function with a negative predictive value of 80%. In summary, the available evidence is currently insufficient to determine the role of this variant in disease. Therefore, it has been classified as a Variant of Uncertain Significance.

Ambry Genetics
Classification: Uncertain significance for Hereditary cancer-predisposing syndrome. Last evaluated: 2024-12-20. Review status: criteria provided, single submitter. Criteria: Ambry Variant Classification Scheme 2023. Collection method: clinical testing. Allele origin: germline.
Comment: The p.M1523I variant (also known as c.4569G>A), located in coding exon 36 of the POLE gene, results from a G to A substitution at nucleotide position 4569. The methionine at codon 1523 is replaced by isoleucine, an amino acid with highly similar properties. This amino acid position is highly conserved in available vertebrate species. In addition, the in silico prediction for this alteration is inconclusive. Based on the available evidence, the clinical significance of this variant remains unclear.

NM_006231.4(POLE):c.4569G>A (p.Met1523Ile)

Gene: POLE (DNA polymerase epsilon, catalytic subunit; minus strand). Cytogenetic location: 12q24.33.
Variant type: single nucleotide variant.
Coding change: c.4569G>A on transcript NM_006231.4 (MANE Select); coding-DNA position 4569, G replaced by A.
Protein change: p.Met1523Ile; replaces methionine 1523 with isoleucine.
Molecular consequence: missense variant.
Genome position (GRCh38, 1-based): chr12:132,642,979, C>T on the plus strand (G>A on the coding strand, the complement: POLE is on the minus strand). VCF-style: chr12-132642979-C-T. GRCh37 (hg19) VCF-style: chr12-133219565-C-T.
Other names: short protein forms M1523I.
Identifiers: ClinVar variation 858632 (VCV000858632.11), dbSNP rs2042187083, ClinGen allele CA387379319.
Genomic context (GRCh38, chr12:132,642,979, plus strand): 5'-AGGGCCCACCTTCTCCAGGAGGAGGCCGTGCTCTGCTGAGTACAGGGCGCCAAGGCTGGG[C>T]ATCTGGTTGCTGCGCACCTAGACCAACGCAGGCCACGTCAGCCTCCCCCTGCGCAGGAGG-3'
Protein context (NP_006222.2, residues 1513-1533): FVLDTVRSNQ[Met1523Ile]PSLGALYSAE